The following is an entry in ClinVar:

ClinVar aggregate classification (germline): Uncertain significance (1 of 4 stars; one submission).

Submission:

GeneDx
Classification: Uncertain significance. Last evaluated: 2024-09-24. Review status: criteria provided, single submitter. Criteria: GeneDx Variant Classification Process June 2021. Collection method: clinical testing. Allele origin: germline. Affected: yes.
Comment: Not observed at significant frequency in large population cohorts (gnomAD); In silico analysis supports that this missense variant has a deleterious effect on protein structure/function; Has not been previously published as pathogenic or benign to our knowledge

NM_004780.3(TCEAL1):c.421A>G (p.Arg141Gly)

Gene: TCEAL1 (transcription elongation factor A like 1; plus strand). Cytogenetic location: Xq22.2.
Variant type: single nucleotide variant.
Coding change: c.421A>G on transcript NM_004780.3 (MANE Select); coding-DNA position 421, A replaced by G.
Protein change: p.Arg141Gly; replaces arginine 141 with glycine.
Molecular consequence: missense variant.
Genome position (GRCh38, 1-based): chrX:103,630,337, A>G. VCF-style: chrX-103630337-A-G. GRCh37 (hg19) VCF-style: chrX-102885265-A-G.
Other names: c.421A>G, p.Arg141Gly (NM_001006639.2, NM_001006640.2); short protein forms R141G.
Identifiers: ClinVar variation 3776437 (VCV003776437.1).
Genomic context (GRCh38, chrX:103,630,337, plus strand): 5'-AATTTAAGCAATGAGGAGATGATACAGGCAGCAGATGAGCTAGAAGAGATGAAAAGAGTA[A>G]GAAACAAACTGATGATAATGCACTGGAAGGCAAAACGGAGCCGTCCTTATCCTATTTAAT-3'
Protein context (NP_004771.2, residues 131-151): ADELEEMKRV[Arg141Gly]NKLMIMHWKA